The following is an entry in ClinVar:

NM_000506.5(F2):c.701G>C (p.Cys234Ser)

Gene: F2 (coagulation factor II, thrombin; plus strand). Cytogenetic location: 11p11.2.
Variant type: single nucleotide variant.
Coding change: c.701G>C on transcript NM_000506.5 (MANE Select); coding-DNA position 701, G replaced by C.
Protein change: p.Cys234Ser; replaces cysteine 234 with serine.
Molecular consequence: missense variant.
Genome position (GRCh38, 1-based): chr11:46,726,000, G>C. VCF-style: chr11-46726000-G-C. GRCh37 (hg19) VCF-style: chr11-46747550-G-C.
Other names: short protein forms C234S.
Identifiers: ClinVar variation 4745339 (VCV004745339.1).
Genomic context (GRCh38, chr11:46,726,000, plus strand): 5'-TCCCTGATCGGGGGCAGCAGTACCAGGGGCGCCTGGCGGTGACCACACATGGGCTCCCCT[G>C]CCTGGCCTGGGCCAGCGCACAGGCCAAGGCCCTGAGCAAGCACCAGGACTTCAACTCAGC-3'
Protein context (NP_000497.1, residues 224-244): RLAVTTHGLP[Cys234Ser]LAWASAQAKA

ClinVar aggregate classification (germline): Uncertain significance (1 of 4 stars; one submission).

Conditions:
Congenital prothrombin deficiency. Also called: Hereditary factor II deficiency disease; Factor II deficiency; Inherited hypoprothrombinemia; Congenital factor II deficiency; Inherited prothrombin deficiency; HYPOPROTHROMBINEMIA. Identifiers: Orphanet 325, MedGen C0272317, MONDO:0013361, OMIM 613679.

Submission:

Labcorp Genetics (formerly Invitae), Labcorp
Classification: Uncertain significance for Congenital prothrombin deficiency. Last evaluated: 2025-08-19. Review status: criteria provided, single submitter. Criteria: Invitae Variant Classification Sherloc (09022015). Collection method: clinical testing. Allele origin: germline.
Comment: This sequence change replaces cysteine, which is neutral and slightly polar, with serine, which is neutral and polar, at codon 234 of the F2 protein (p.Cys234Ser). This variant is not present in population databases (gnomAD no frequency). This variant has not been reported in the literature in individuals affected with F2-related conditions. Invitae Evidence Modeling of protein sequence and biophysical properties (such as structural, functional, and spatial information, amino acid conservation, physicochemical variation, residue mobility, and thermodynamic stability) indicates that this missense variant is expected to disrupt F2 protein function with a positive predictive value of 80%. In summary, the available evidence is currently insufficient to determine the role of this variant in disease. Therefore, it has been classified as a Variant of Uncertain Significance.